The following is an entry in ClinVar:

NM_000051.4(ATM):c.902-16A>C

Gene: ATM (ATM serine/threonine kinase; plus strand). Cytogenetic location: 11q22.3.
Variant type: single nucleotide variant.
Coding change: c.902-16A>C on transcript NM_000051.4 (MANE Select); 16 bases into the intron before coding-DNA position 902, A replaced by C.
Molecular consequence: intron variant.
Genome position (GRCh38, 1-based): chr11:108,246,948, A>C. VCF-style: chr11-108246948-A-C. GRCh37 (hg19) VCF-style: chr11-108117675-A-C.
Other names: c.902-16A>C (NM_001351834.2).
Identifiers: ClinVar variation 3254109 (VCV003254109.1), dbSNP rs2497177801.

ClinVar aggregate classification (germline): Likely benign (1 of 4 stars; one submission).

Conditions:
Familial cancer of breast. Also called: BREAST CANCER, FAMILIAL; Hereditary breast cancer; hereditary breast carcinoma. Identifiers: Orphanet 227535, MedGen C0346153, MONDO:0016419, OMIM 114480. Disease mechanism: loss of function.

Submission:

Myriad Genetics, Inc.
Classification: Likely benign for Familial cancer of breast. Last evaluated: 2024-04-23. Review status: criteria provided, single submitter. Criteria: Myriad Autosomal Dominant, Autosomal Recessive and X-Linked Classification Criteria (2023). Collection method: clinical testing. Allele origin: unknown.
Comment: This variant is considered likely benign. This variant is intronic and is not expected to impact mRNA splicing.